The following is an entry in ClinVar:

ClinVar aggregate classification (germline): Uncertain significance (1 of 4 stars; one submission).

Submission:

Labcorp Genetics (formerly Invitae), Labcorp
Classification: Uncertain significance. Last evaluated: 2022-12-08. Review status: criteria provided, single submitter. Criteria: Invitae Variant Classification Sherloc (09022015). Collection method: clinical testing. Allele origin: germline.
Comment: Advanced modeling of protein sequence and biophysical properties (such as structural, functional, and spatial information, amino acid conservation, physicochemical variation, residue mobility, and thermodynamic stability) performed at Invitae indicates that this missense variant is not expected to disrupt MNX1 protein function. In summary, the available evidence is currently insufficient to determine the role of this variant in disease. Therefore, it has been classified as a Variant of Uncertain Significance. This variant has not been reported in the literature in individuals affected with MNX1-related conditions. The frequency data for this variant in the population databases is considered unreliable, as metrics indicate insufficient coverage at this position in the gnomAD database. This sequence change replaces histidine, which is basic and polar, with arginine, which is basic and polar, at codon 115 of the MNX1 protein (p.His115Arg).

NM_005515.4(MNX1):c.344A>G (p.His115Arg)

Gene: MNX1 (motor neuron and pancreas homeobox 1; minus strand). Cytogenetic location: 7q36.3.
Variant type: single nucleotide variant.
Coding change: c.344A>G on transcript NM_005515.4 (MANE Select); coding-DNA position 344, A replaced by G.
Protein change: p.His115Arg; replaces histidine 115 with arginine.
Molecular consequence: missense variant.
Genome position (GRCh38, 1-based): chr7:157,010,007, T>C on the plus strand (A>G on the coding strand, the complement: MNX1 is on the minus strand). VCF-style: chr7-157010007-T-C. GRCh37 (hg19) VCF-style: chr7-156802701-T-C.
Other names: short protein forms H115R.
Identifiers: ClinVar variation 2800685 (VCV002800685.3), dbSNP rs2537781308, ClinGen allele CA370164749.